The following is an entry in ClinVar:

NM_004369.4(COL6A3):c.3140T>C (p.Leu1047Ser)

Gene: COL6A3 (collagen type VI alpha 3 chain; minus strand). Cytogenetic location: 2q37.3.
Variant type: single nucleotide variant.
Coding change: c.3140T>C on transcript NM_004369.4 (MANE Select); coding-DNA position 3140, T replaced by C.
Protein change: p.Leu1047Ser; replaces leucine 1047 with serine.
Molecular consequence: missense variant.
Genome position (GRCh38, 1-based): chr2:237,374,951, A>G on the plus strand (T>C on the coding strand, the complement: COL6A3 is on the minus strand). VCF-style: chr2-237374951-A-G. GRCh37 (hg19) VCF-style: chr2-238283594-A-G.
Other names: c.1919T>C, p.Leu640Ser (NM_057164.5); c.2522T>C, p.Leu841Ser (NM_057165.5, NM_057167.4); c.1319T>C, p.Leu440Ser (NM_057166.5); short protein forms L1047S, L440S, L841S, L640S.
Identifiers: ClinVar variation 4699964 (VCV004699964.1).

ClinVar aggregate classification (germline): Uncertain significance (1 of 4 stars; one submission).

Conditions:
Bethlem myopathy 1A. Also called: MYOPATHY, BENIGN CONGENITAL, WITH CONTRACTURES; Bethlem myopathy 1; Bethlem Muscular Dystrophy. Identifiers: Orphanet 610, MedGen CN029274, MONDO:0024530, OMIM 158810.

gnomAD v4.1: 1 of 1,613,714 alleles (0.000062%); highest among the groups gnomAD compares: African/African-American, 0.0013%; no homozygotes.

Submission:

Labcorp Genetics (formerly Invitae), Labcorp
Classification: Uncertain significance for Bethlem myopathy 1A. Last evaluated: 2025-07-29. Review status: criteria provided, single submitter. Criteria: Invitae Variant Classification Sherloc (09022015). Collection method: clinical testing. Allele origin: germline.
Comment: This sequence change replaces leucine, which is neutral and non-polar, with serine, which is neutral and polar, at codon 1047 of the COL6A3 protein (p.Leu1047Ser). This variant is not present in population databases (gnomAD no frequency). This variant has not been reported in the literature in individuals affected with COL6A3-related conditions. Invitae Evidence Modeling of protein sequence and biophysical properties (such as structural, functional, and spatial information, amino acid conservation, physicochemical variation, residue mobility, and thermodynamic stability) has been performed for this missense variant. However, the output from this modeling did not meet the statistical confidence thresholds required to predict the impact of this variant on COL6A3 protein function. In summary, the available evidence is currently insufficient to determine the role of this variant in disease. Therefore, it has been classified as a Variant of Uncertain Significance.